The following is an entry in ClinVar:

ClinVar aggregate classification (germline): Uncertain significance (1 of 4 stars; one submission).

gnomAD v4.1: 1 of 1,537,058 alleles (0.000065%); highest among the groups gnomAD compares: Non-Finnish European, 0.000088%; no homozygotes.

Submission:

GeneDx
Classification: Uncertain significance. Last evaluated: 2025-04-22. Review status: criteria provided, single submitter. Criteria: GeneDx Variant Classification Process June 2021. Collection method: clinical testing. Allele origin: germline. Affected: yes.
Comment: Not observed at significant frequency in large population cohorts (gnomAD); In silico analysis supports that this missense variant has a deleterious effect on protein structure/function; Has not been previously published as pathogenic or benign to our knowledge

NM_001080414.4(CCDC88C):c.5194A>C (p.Thr1732Pro)

Gene: CCDC88C (coiled-coil and HOOK domain protein 88C; minus strand). Cytogenetic location: 14q32.11.
Variant type: single nucleotide variant.
Coding change: c.5194A>C on transcript NM_001080414.4 (MANE Select); coding-DNA position 5194, A replaced by C.
Protein change: p.Thr1732Pro; replaces threonine 1732 with proline.
Molecular consequence: missense variant. On other transcripts: non-coding transcript variant (2).
Genome position (GRCh38, 1-based): chr14:91,273,518, T>G on the plus strand (A>C on the coding strand, the complement: CCDC88C is on the minus strand). VCF-style: chr14-91273518-T-G. GRCh37 (hg19) VCF-style: chr14-91739862-T-G.
Other names: short protein forms T1732P.
Identifiers: ClinVar variation 4527181 (VCV004527181.1).
Genomic context (GRCh38, chr14:91,273,518, plus strand): 5'-TTACGTACTGCCCGGGCTTCAGCGGCCTCCCCTCCGAGGTGGGGGCGGCCATTTTGACGG[T>G]GGGGGCCACAAAGTTGGTGGGCATCTTGGCCCCTTCTTTCTTGGCAGGTGGTCCTGGTTG-3'
Protein context (NP_001073883.2, residues 1722-1742): AKMPTNFVAP[Thr1732Pro]VKMAAPTSEG